The following is an entry in ClinVar:

NM_004974.4(KCNA2):c.*1116C>T

Gene: KCNA2 (potassium voltage-gated channel subfamily A member 2; minus strand). Cytogenetic location: 1p13.3.
Variant type: single nucleotide variant.
Coding change: c.*1116C>T on transcript NM_004974.4 (MANE Select); 1116 bases downstream of the stop codon, C replaced by T.
Molecular consequence: 3 prime UTR variant. On other transcripts: missense variant (1).
Genome position (GRCh38, 1-based): chr1:110,602,167, G>A on the plus strand (C>T on the coding strand, the complement: KCNA2 is on the minus strand). VCF-style: chr1-110602167-G-A. GRCh37 (hg19) VCF-style: chr1-111144789-G-A.
Other names: c.898C>T, p.Arg300Cys (NM_001204269.2); short protein forms R300C.
Identifiers: ClinVar variation 4084140 (VCV004084140.8).

ClinVar aggregate classification (germline): Likely benign (1 of 4 stars; one submission).

gnomAD v4.1: 152 of 1,550,326 alleles (0.0098%); highest among the groups gnomAD compares: South Asian, 0.024%; 1 homozygote.

Submission:

CeGaT Center for Human Genetics Tuebingen
Classification: Likely benign. Last evaluated: 2025-07-01. Review status: criteria provided, single submitter. Criteria: CeGaT Center For Human Genetics Tuebingen Variant Classification Criteria Version 2. Collection method: clinical testing. Allele origin: germline. Affected: yes. Observed: 1 variant allele.
Comment: KCNA2: PP2, PP3, BS2